The following is an entry in ClinVar:

ClinVar aggregate classification (germline): Uncertain significance (1 of 4 stars; one submission).

Submission:

Ambry Genetics
Classification: Uncertain significance. Last evaluated: 2025-06-02. Review status: criteria provided, single submitter. Criteria: Ambry Variant Classification Scheme 2023. Collection method: clinical testing. Allele origin: germline.
Comment: The p.M892I variant (also known as c.2676G>T), located in coding exon 1 of the MLH3 gene, results from a G to T substitution at nucleotide position 2676. The methionine at codon 892 is replaced by isoleucine, an amino acid with highly similar properties. This amino acid position is conserved. In addition, this alteration is predicted to be tolerated by in silico analysis. Since supporting evidence is limited at this time, the clinical significance of this alteration remains unclear.

NM_001040108.2(MLH3):c.2676G>T (p.Met892Ile)

Gene: MLH3 (mutL homolog 3; minus strand). Cytogenetic location: 14q24.3.
Variant type: single nucleotide variant.
Coding change: c.2676G>T on transcript NM_001040108.2 (MANE Select); coding-DNA position 2676, G replaced by T.
Protein change: p.Met892Ile; replaces methionine 892 with isoleucine.
Molecular consequence: missense variant.
Genome position (GRCh38, 1-based): chr14:75,046,980, C>A on the plus strand (G>T on the coding strand, the complement: MLH3 is on the minus strand). VCF-style: chr14-75046980-C-A. GRCh37 (hg19) VCF-style: chr14-75513683-C-A.
Other names: c.2676G>T, p.Met892Ile (NM_014381.3); short protein forms M892I.
Identifiers: ClinVar variation 1794609 (VCV001794609.3), dbSNP rs755592568, ClinGen allele CA390439096.
Genomic context (GRCh38, chr14:75,046,980, plus strand): 5'-GCACAACTTGCTGTCTTTCCTACTGGAATCTGAATTTGGAAGTTCATTAAAACGACTCAT[C>A]ATCCCCATTGTTTGAGTTTCTCTTTCGGAACCCTTCAGTCTGGATAATTTAGAGGCTAGT-3'
Protein context (NP_001035197.1, residues 882-902): GSERETQTMG[Met892Ile]MSRFNELPNS